The following is an entry in ClinVar:

ClinVar aggregate classification (germline): Conflicting classifications of pathogenicity. Review status: criteria provided, conflicting classifications (1 of 4 stars). 20 submissions from 19 submitters: Uncertain significance (2); Benign (5); Likely benign (8). 5 of the submissions do not count toward it. Last evaluated 2026-02-03.

Conditions:
Cardiovascular phenotype. Identifiers: MedGen CN230736.
Cardiomyopathy (CMYO). Also called: Cardiomyopathies. Identifiers: Orphanet 167848, MedGen C0878544, MONDO:0004994, HP:0001638. Inheritance: Various modes of inheritance.
Catecholaminergic polymorphic ventricular tachycardia 1. Also called: VENTRICULAR TACHYCARDIA, CATECHOLAMINERGIC POLYMORPHIC, 1, WITH OR WITHOUT ATRIAL DYSFUNCTION AND/OR DILATED CARDIOMYOPATHY; VENTRICULAR TACHYCARDIA, STRESS-INDUCED POLYMORPHIC 1; RYR2-Related Catecholaminergic Polymorphic Ventricular Tachycardia. Identifiers: Orphanet 3286, MedGen C1631597, MONDO:0011484, OMIM 604772.
Arrhythmogenic right ventricular dysplasia 2. Identifiers: MedGen C1832931.
Catecholaminergic polymorphic ventricular tachycardia (CVPT). Also called: Catecholamine-induced polymorphic ventricular tachycardia. Identifiers: Orphanet 3286, MedGen C5574922, MONDO:0017990.

Allele frequency attached by ClinVar (database versions not stated): 1000 Genomes Project 0.00020; 1000 Genomes Project 30x 0.00047; ExAC 0.00086; gnomAD exomes 0.00095; TOPMed 0.00114; gnomAD 0.00116; ESP Exome Variant Server 0.00131.
gnomAD v4.1: 3,491 of 1,613,840 alleles (0.22%); highest among the groups gnomAD compares: Non-Finnish European, 0.28%; 8 homozygotes.

Submissions (20):

Labcorp Genetics (formerly Invitae), Labcorp
Classification: Benign for Catecholaminergic polymorphic ventricular tachycardia 1. Last evaluated: 2026-02-03. Review status: criteria provided, single submitter. Criteria: Invitae Variant Classification Sherloc (09022015). Collection method: clinical testing. Allele origin: germline.

Molecular Diagnostic Laboratory for Inherited Cardiovascular Disease, Montreal Heart Institute
Classification: Benign. Last evaluated: 2025-04-09. Review status: criteria provided, single submitter. Criteria: ACMG Guidelines, 2015. Collection method: clinical testing. Allele origin: germline. Affected: no.

Blueprint Genetics
Classification: Likely benign. Last evaluated: 2024-11-06. Review status: criteria provided, single submitter. Criteria: ACMG Guidelines, 2015. Collection method: clinical testing. Allele origin: germline.

Mayo Clinic Laboratories, Mayo Clinic
Classification: Likely benign. Last evaluated: 2024-05-17. Review status: criteria provided, single submitter. Criteria: ACMG Guidelines, 2015. Collection method: clinical testing. Allele origin: germline. Observed: 3 variant alleles.
Comment: BS1, BP4, BP7

All of Us Research Program, National Institutes of Health
Classification: Likely benign for Catecholaminergic polymorphic ventricular tachycardia. Last evaluated: 2024-02-05. Review status: criteria provided, single submitter. Criteria: ACMG Guidelines, 2015. Collection method: clinical testing. Allele origin: germline. Inheritance: Autosomal dominant inheritance. Observed: 328 variant alleles, 328 heterozygotes.
Comment: This study involves interpretation of variants in research participants for the purpose of population health screening. Participant phenotype was not available at the time of variant classification. Additional details can be found in publication PMID: 35346344, PMCID: PMC8962531

ARUP Laboratories, Molecular Genetics and Genomics, ARUP Laboratories
Classification: Benign. Last evaluated: 2023-10-06. Review status: criteria provided, single submitter. Criteria: ARUP Molecular Germline Variant Investigation Process 2024. Collection method: clinical testing. Allele origin: germline.

Institute of Human Genetics, University of Leipzig Medical Center
Classification: Likely benign for Catecholaminergic polymorphic ventricular tachycardia 1. Last evaluated: 2019-01-01. Review status: criteria provided, single submitter. Criteria: ACMG Guidelines, 2015. Collection method: clinical testing. Allele origin: unknown. Affected: yes.

CHEO Genetics Diagnostic Laboratory, Children's Hospital of Eastern Ontario
Classification: Benign for Cardiomyopathy. Last evaluated: 2018-04-30. Review status: criteria provided, single submitter. Criteria: ACMG Guidelines, 2015. Collection method: clinical testing. Allele origin: germline.

Color Diagnostics, LLC DBA Color Health
Classification: Likely benign for Cardiomyopathy. Last evaluated: 2018-04-16. Review status: criteria provided, single submitter. Criteria: ACMG Guidelines, 2015. Collection method: clinical testing. Allele origin: germline.

Illumina Laboratory Services, Illumina
Classification: Likely benign for Catecholaminergic polymorphic ventricular tachycardia 1. Last evaluated: 2018-01-12. Review status: criteria provided, single submitter. Criteria: ICSL Variant Classification Criteria 13 December 2019. Collection method: clinical testing. Allele origin: germline.
Comment: This variant was observed in the ICSL laboratory as part of a predisposition screen in an ostensibly healthy population. It had not been previously curated by ICSL or reported in the Human Gene Mutation Database (HGMD: prior to June 1st, 2018), and was therefore a candidate for classification through an automated scoring system. Utilizing variant allele frequency, disease prevalence and penetrance estimates, and inheritance mode, an automated score was calculated to assess if this variant is too frequent to cause the disease. Based on the score and internal cut-off values, a variant classified as likely benign is not then subjected to further curation. The score for this variant resulted in a classification of likely benign for this disease.

Illumina Laboratory Services, Illumina
Classification: Uncertain significance for Catecholaminergic polymorphic ventricular tachycardia 1. Last evaluated: 2018-01-12. Review status: criteria provided, single submitter. Criteria: ICSL Variant Classification Criteria 13 December 2019. Collection method: clinical testing. Allele origin: germline.

Ambry Genetics
Classification: Likely benign for Cardiovascular phenotype. Last evaluated: 2016-03-30. Review status: criteria provided, single submitter. Criteria: Ambry Variant Classification Scheme 2023. Collection method: clinical testing. Allele origin: germline.

Laboratory for Molecular Medicine, Mass General Brigham Personalized Medicine
Classification: Likely benign. Last evaluated: 2015-06-09. Review status: criteria provided, single submitter. Criteria: LMM Criteria. Collection method: clinical testing. Allele origin: germline. Observed: 8 variant alleles.
Comment: p.Glu4053Glu in exon 90 of RYR2: This variant is not expected to have clinical s ignificance because it does not alter an amino acid residue and is not located w ithin the splice consensus sequence. It has been identified in 0.1% (88/65298) o f European chromosomes by the Exome Aggregation Consortium (ExAC; dbSNP rs41267517).

Eurofins Ntd Llc (ga)
Classification: Uncertain significance. Last evaluated: 2015-05-19. Review status: criteria provided, single submitter. Criteria: EGL Classification Definitions 2015. Collection method: clinical testing. Allele origin: germline. Observed: 3 variant alleles, 3 heterozygotes.

GeneDx
Classification: Benign. Last evaluated: 2015-03-03. Review status: criteria provided, single submitter. Criteria: GeneDx Variant Classification Process June 2021. Collection method: clinical testing. Allele origin: germline. Affected: yes.

Clinical Genetics DNA and cytogenetics Diagnostics Lab, Erasmus MC, Erasmus Medical Center
Classification: Likely benign. Review status: no assertion criteria provided. Collection method: clinical testing. Allele origin: germline. Affected: yes. Study: VKGL Data-share Consensus. Not counted in ClinVar's aggregate classification.

Clinical Genetics, Academic Medical Center
Classification: Benign. Review status: no assertion criteria provided. Collection method: clinical testing. Allele origin: germline. Affected: yes. Study: VKGL Data-share Consensus. Not counted in ClinVar's aggregate classification.

Diagnostic Laboratory, Department of Genetics, University Medical Center Groningen
Classification: Likely benign. Review status: no assertion criteria provided. Collection method: clinical testing. Allele origin: germline. Affected: yes. Study: VKGL Data-share Consensus. Not counted in ClinVar's aggregate classification.

Genome Diagnostics Laboratory, University Medical Center Utrecht
Classification: Likely benign. Review status: no assertion criteria provided. Collection method: clinical testing. Allele origin: germline. Affected: yes. Study: VKGL Data-share Consensus. Not counted in ClinVar's aggregate classification.

Joint Genome Diagnostic Labs from Nijmegen and Maastricht, Radboudumc and MUMC+
Classification: Likely benign. Review status: no assertion criteria provided. Collection method: clinical testing. Allele origin: germline. Affected: yes. Study: VKGL Data-share Consensus. Not counted in ClinVar's aggregate classification.

NM_001035.3(RYR2):c.12159G>A (p.Glu4053=)

Gene: RYR2 (ryanodine receptor 2; plus strand). Cytogenetic location: 1q43.
Variant type: single nucleotide variant.
Coding change: c.12159G>A on transcript NM_001035.3 (MANE Select); coding-DNA position 12159, G replaced by A.
Protein change: p.Glu4053=; no amino-acid change (glutamic acid 4053 retained).
Molecular consequence: synonymous variant.
Genome position (GRCh38, 1-based): chr1:237,783,871, G>A. VCF-style: chr1-237783871-G-A. GRCh37 (hg19) VCF-style: chr1-237947171-G-A.
Other names: p.Glu4053=.
Identifiers: ClinVar variation 43719 (VCV000043719.85), dbSNP rs41267517, ClinGen allele CA007352.